The following is an entry in ClinVar:

NM_024664.4(PPCS):c.11T>C (p.Met4Thr)

Genes: CCDC30 (coiled-coil domain containing 30; plus strand), PPCS (phosphopantothenoylcysteine synthetase; plus strand). Cytogenetic location: 1p34.2.
Variant type: single nucleotide variant.
Coding change: c.11T>C on transcript NM_024664.4 (MANE Select); coding-DNA position 11, T replaced by C.
Protein change: p.Met4Thr; replaces methionine 4 with threonine.
Molecular consequence: missense variant. On other transcripts: 5 prime UTR variant (4), intron variant (3).
Genome position (GRCh38, 1-based): chr1:42,456,576, T>C. VCF-style: chr1-42456576-T-C. GRCh37 (hg19) VCF-style: chr1-42922247-T-C.
Other names: c.-64T>C (NM_001077447.3); c.-160T>C (NM_001287508.2); c.-19T>C (NM_001287509.2); c.-682T>C (NM_001287510.2); c.11T>C, p.Met4Thr (NM_001287511.2); c.-984+77T>C (NM_001355226.2); c.-328+77T>C (NM_001287507.1); c.-12+77T>C (NM_001287506.1); short protein forms M4T.
Identifiers: ClinVar variation 1419572 (VCV001419572.7), dbSNP rs547431390, ClinGen allele CA799879.
Genomic context (GRCh38, chr1:42,456,576, plus strand): 5'-GTGGCGCGGCGGCCGCGAAACGTGCGCAGGCGCCGGCCGCTGCGCTGCAGATGGCGGAAA[T>C]GGATCCGGTAGCCGAGTTCCCCCAGCCTCCCGGTGCTGCGCGCTGGGCTGAGGTTATGGC-3'
Protein context (NP_078940.2, residues 1-14): MAE[Met4Thr]DPVAEFPQPP

ClinVar aggregate classification (germline): Uncertain significance. Review status: criteria provided, multiple submitters, no conflicts (2 of 4 stars). 2 submissions from 2 submitters: Uncertain significance (2). Last evaluated 2022-08-23.

Allele frequency attached by ClinVar (database versions not stated): gnomAD 0.00001 and 0.00004; 1000 Genomes Project 30x 0.00016; gnomAD exomes 0.00010; 1000 Genomes Project 0.00020.
gnomAD v4.1: 60 of 1,484,224 alleles (0.004%); highest among the groups gnomAD compares: South Asian, 0.063%; 1 homozygote.

Submissions (2):

Blueprint Genetics
Classification: Uncertain significance. Last evaluated: 2022-08-23. Review status: criteria provided, single submitter. Criteria: ACMG Guidelines, 2015. Collection method: clinical testing. Allele origin: germline.

Labcorp Genetics (formerly Invitae), Labcorp
Classification: Uncertain significance. Last evaluated: 2021-09-24. Review status: criteria provided, single submitter. Criteria: Invitae Variant Classification Sherloc (09022015). Collection method: clinical testing. Allele origin: germline.
Comment: This sequence change replaces methionine with threonine at codon 4 of the PPCS protein (p.Met4Thr). The methionine residue is weakly conserved and there is a moderate physicochemical difference between methionine and threonine. The frequency data for this variant in the population databases is considered unreliable, as metrics indicate poor data quality at this position in the ExAC database. This variant has not been reported in the literature in individuals with PPCS-related conditions. Algorithms developed to predict the effect of missense changes on protein structure and function output the following: SIFT: "Tolerated"; PolyPhen-2: "Benign"; Align-GVGD: "Class C0". The threonine amino acid residue is found in multiple mammalian species, suggesting that this missense change does not adversely affect protein function. These predictions have not been confirmed by published functional studies and their clinical significance is uncertain. In summary, the available evidence is currently insufficient to determine the role of this variant in disease. Therefore, it has been classified as a Variant of Uncertain Significance.